The following is an entry in ClinVar:

ClinVar aggregate classification (germline): Likely benign. Review status: criteria provided, multiple submitters, no conflicts (2 of 4 stars). 3 submissions from 3 submitters: Likely benign (3). Last evaluated 2025-11-01.

Conditions:
GREM1-related disorder. Also called: GREM1-related condition.
Hereditary cancer-predisposing syndrome. Also called: Hereditary neoplastic syndrome; Tumor predisposition; Neoplastic Syndromes, Hereditary; Hereditary Cancer Syndrome. Identifiers: Orphanet 140162, MedGen C0027672, MeSH D009386, MONDO:0015356.

Allele frequency attached by ClinVar (database versions not stated): TOPMed 0.00003; ExAC 0.00004; gnomAD 0.00005; ESP Exome Variant Server 0.00008.
gnomAD v4.1: 133 of 1,614,088 alleles (0.0082%); highest among the groups gnomAD compares: Non-Finnish European, 0.011%; no homozygotes.

Submissions (3):

CeGaT Center for Human Genetics Tuebingen
Classification: Likely benign. Last evaluated: 2025-11-01. Review status: criteria provided, single submitter. Criteria: CeGaT Center For Human Genetics Tuebingen Variant Classification Criteria Version 2. Collection method: clinical testing. Allele origin: germline. Affected: yes. Observed: 1 variant allele.
Comment: GREM1: BP4, BP7

PreventionGenetics, part of Exact Sciences
Classification: Likely benign for GREM1-related condition. Last evaluated: 2024-11-16. Review status: criteria provided, single submitter. Criteria: ACMG Guidelines, 2015. Collection method: clinical testing. Allele origin: germline.
Comment: This variant is classified as likely benign based on ACMG/AMP sequence variant interpretation guidelines (Richards et al. 2015 PMID: 25741868, with internal and published modifications).

Ambry Genetics
Classification: Likely benign for Hereditary cancer-predisposing syndrome. Last evaluated: 2022-03-26. Review status: criteria provided, single submitter. Criteria: Ambry Variant Classification Scheme 2023. Collection method: clinical testing. Allele origin: germline.

NM_013372.7(GREM1):c.372T>C (p.Ser124=)

Gene: GREM1 (gremlin 1, DAN family BMP antagonist; plus strand). Cytogenetic location: 15q13.3.
Variant type: single nucleotide variant.
Coding change: c.372T>C on transcript NM_013372.7 (MANE Select); coding-DNA position 372, T replaced by C.
Protein change: p.Ser124=; no amino-acid change (serine 124 retained).
Molecular consequence: synonymous variant.
Genome position (GRCh38, 1-based): chr15:32,731,062, T>C. VCF-style: chr15-32731062-T-C. GRCh37 (hg19) VCF-style: chr15-33023263-T-C.
Other names: c.162T>C, p.Ser54= (NM_001191322.2); c.249T>C, p.Ser83= (NM_001191323.2); c.372T>C, p.Ser124= (NM_001368719.1).
Identifiers: ClinVar variation 1734388 (VCV001734388.9), dbSNP rs371194430, ClinGen allele CA7456156.